The following is an entry in ClinVar:

ClinVar aggregate classification (germline): Uncertain significance. Review status: criteria provided, multiple submitters, no conflicts (2 of 4 stars). 4 submissions from 4 submitters: Uncertain significance (3). 1 of the submissions does not count toward it. Last evaluated 2026-02-11.

Conditions:
MITF-related disorder. Also called: MITF-related condition.
Waardenburg syndrome type 2A (WS2A). Also called: WAARDENBURG SYNDROME WITHOUT DYSTOPIA CANTHORUM. Identifiers: Orphanet 3440, MedGen C1860339, MONDO:0008671, OMIM 193510.
Tietz syndrome (TADS). Also called: ALBINISM-DEAFNESS OF TIETZ; HYPOPIGMENTATION/DEAFNESS OF TIETZ; TIETZ ALBINISM-DEAFNESS SYNDROME. Identifiers: Orphanet 42665, MedGen C0391816, MONDO:0007077, OMIM 103500.
Melanoma, cutaneous malignant, susceptibility to, 8. Also called: Cutaneous malignant melanoma 8; MELANOMA AND RENAL CELL CARCINOMA, SUSCEPTIBILITY TO. Identifiers: Orphanet 293822, MedGen C3152204, MONDO:0013759, OMIM 614456.
Hereditary cancer-predisposing syndrome. Also called: Tumor predisposition; Hereditary Cancer Syndrome; Hereditary neoplastic syndrome; Neoplastic Syndromes, Hereditary. Identifiers: Orphanet 140162, MedGen C0027672, MeSH D009386, MONDO:0015356.

gnomAD v4.1: 4 of 1,613,986 alleles (0.00025%); highest among the groups gnomAD compares: African/African-American, 0.0053%; no homozygotes.

Submissions (4):

St. Jude Molecular Pathology, St. Jude Children's Research Hospital
Classification: Uncertain significance for Melanoma, cutaneous malignant, susceptibility to, 8. Last evaluated: 2026-02-11. Review status: criteria provided, single submitter. Criteria: St. Jude Assertion Criteria 2020. Collection method: clinical testing. Allele origin: germline.
Comment: The MITF c.1342A>G p.(Thr448Ala) missense change has a maximum population frequency of 0.01% in gnomAD v2.1.1. The in silico tool REVEL predicts a benign effect on protein function, but to our knowledge this prediction has not been confirmed by functional studies. To our knowledge, this variant has not been reported in individuals with melanoma or renal cell carcinoma. In summary, the evidence currently available is insufficient to determine the clinical significance of this variant. It has therefore been classified as of uncertain significance.

Ambry Genetics
Classification: Uncertain significance for Hereditary cancer-predisposing syndrome. Last evaluated: 2025-10-22. Review status: criteria provided, single submitter. Criteria: Ambry Variant Classification Scheme 2023. Collection method: clinical testing. Allele origin: germline.
Comment: The p.T347A variant (also known as c.1039A>G), located in coding exon 9 of the MITF gene, results from an A to G substitution at nucleotide position 1039. The threonine at codon 347 is replaced by alanine, an amino acid with similar properties. This amino acid position is conserved. In addition, the in silico prediction for this alteration is inconclusive. Based on the available evidence, the clinical significance of this variant remains unclear.

Labcorp Genetics (formerly Invitae), Labcorp
Classification: Uncertain significance for Melanoma, cutaneous malignant, susceptibility to, 8; Waardenburg syndrome type 2A; Tietz syndrome. Last evaluated: 2025-09-15. Review status: criteria provided, single submitter. Criteria: Invitae Variant Classification Sherloc (09022015). Collection method: clinical testing. Allele origin: germline.
Comment: This sequence change replaces threonine, which is neutral and polar, with alanine, which is neutral and non-polar, at codon 347 of the MITF protein (p.Thr347Ala). This variant is present in population databases (no rsID available, gnomAD 0.01%). This variant has not been reported in the literature in individuals affected with MITF-related conditions. ClinVar contains an entry for this variant (Variation ID: 3355513). Invitae Evidence Modeling of protein sequence and biophysical properties (such as structural, functional, and spatial information, amino acid conservation, physicochemical variation, residue mobility, and thermodynamic stability) indicates that this missense variant is not expected to disrupt MITF protein function with a negative predictive value of 80%. In summary, the available evidence is currently insufficient to determine the role of this variant in disease. Therefore, it has been classified as a Variant of Uncertain Significance.

PreventionGenetics, part of Exact Sciences
Classification: Uncertain significance for MITF-related condition. Last evaluated: 2024-05-14. Review status: no assertion criteria provided. Collection method: clinical testing. Allele origin: germline. Not counted in ClinVar's aggregate classification.
Comment: The MITF c.1039A>G variant is predicted to result in the amino acid substitution p.Thr347Ala. To our knowledge, this variant has not been reported in the literature. This variant is reported in 0.011% of alleles in individuals of African descent in gnomAD. At this time, the clinical significance of this variant is uncertain due to the absence of conclusive functional and genetic evidence.

NM_001354604.2(MITF):c.1360A>G (p.Thr454Ala)

Gene: MITF (melanocyte inducing transcription factor; plus strand). Cytogenetic location: 3p13.
Variant type: single nucleotide variant.
Coding change: c.1360A>G on transcript NM_001354604.2 (MANE Select); coding-DNA position 1360, A replaced by G.
Protein change: p.Thr454Ala; replaces threonine 454 with alanine.
Molecular consequence: missense variant.
Genome position (GRCh38, 1-based): chr3:69,965,027, A>G. VCF-style: chr3-69965027-A-G. GRCh37 (hg19) VCF-style: chr3-70014178-A-G.
Other names: c.1039A>G, p.Thr347Ala (NM_000248.4); c.1186A>G, p.Thr396Ala (NM_001184967.2, NM_001354608.2); c.1357A>G, p.Thr453Ala (NM_001354605.2); c.1339A>G, p.Thr447Ala (NM_001354606.2, NM_006722.3); c.1291A>G, p.Thr431Ala (NM_001354607.2); c.1021A>G, p.Thr341Ala (NM_198158.3); c.1342A>G, p.Thr448Ala (NM_198159.3); c.1294A>G, p.Thr432Ala (NM_198177.3); and 1 more; short protein forms T285A, T341A, T347A, T396A, T431A, T432A, T447A, T448A.
Identifiers: ClinVar variation 3355513 (VCV003355513.5).